The following is an entry in ClinVar:

ClinVar aggregate classification (germline): Uncertain significance. Review status: criteria provided, multiple submitters, no conflicts (2 of 4 stars). 2 submissions from 2 submitters: Uncertain significance (2). Last evaluated 2026-04-20.

Conditions:
PCNT-related disorder. Also called: PCNT-related condition.

Allele frequency attached by ClinVar (database versions not stated): gnomAD exomes below 0.00001 and 0.00001.

Submissions (2):

PreventionGenetics, part of Exact Sciences
Classification: Uncertain significance for PCNT-related condition. Last evaluated: 2026-04-20. Review status: criteria provided, single submitter. Criteria: ACMG Guidelines, 2015. Collection method: clinical testing. Allele origin: germline.
Comment: The PCNT c.3133A>G variant is predicted to result in the amino acid substitution p.Thr1045Ala. To our knowledge, this variant has not been reported in the literature. This variant is reported in 0.00090% of alleles in individuals of European (Non-Finnish) descent in gnomAD. At this time, the clinical significance of this variant is uncertain due to the absence of conclusive functional and genetic evidence.

Labcorp Genetics (formerly Invitae), Labcorp
Classification: Uncertain significance. Last evaluated: 2021-09-18. Review status: criteria provided, single submitter. Criteria: Invitae Variant Classification Sherloc (09022015). Collection method: clinical testing. Allele origin: germline.
Comment: This sequence change replaces threonine with alanine at codon 1045 of the PCNT protein (p.Thr1045Ala). The threonine residue is weakly conserved and there is a small physicochemical difference between threonine and alanine. This variant is not present in population databases (ExAC no frequency). This variant has not been reported in the literature in individuals affected with PCNT-related conditions. Algorithms developed to predict the effect of missense changes on protein structure and function output the following: SIFT: "Tolerated"; PolyPhen-2: "Possibly Damaging"; Align-GVGD: "Class C0". The alanine amino acid residue is found in multiple mammalian species, which suggests that this missense change does not adversely affect protein function. In summary, the available evidence is currently insufficient to determine the role of this variant in disease. Therefore, it has been classified as a Variant of Uncertain Significance.

NM_006031.6(PCNT):c.3133A>G (p.Thr1045Ala)

Gene: PCNT (pericentrin; plus strand). Cytogenetic location: 21q22.3.
Variant type: single nucleotide variant.
Coding change: c.3133A>G on transcript NM_006031.6 (MANE Select); coding-DNA position 3133, A replaced by G.
Protein change: p.Thr1045Ala; replaces threonine 1045 with alanine.
Molecular consequence: missense variant.
Genome position (GRCh38, 1-based): chr21:46,367,107, A>G. VCF-style: chr21-46367107-A-G. GRCh37 (hg19) VCF-style: chr21-47787022-A-G.
Other names: c.2779A>G, p.Thr927Ala (NM_001315529.2); c.3133A>G (NM_006031.5); short protein forms T1045A, T927A.
Identifiers: ClinVar variation 1381986 (VCV001381986.4), dbSNP rs1251042241, ClinGen allele CA410570581.